The following is an entry in ClinVar:

NM_001040108.2(MLH3):c.207G>A (p.Val69=)

Gene: MLH3 (mutL homolog 3; minus strand). Cytogenetic location: 14q24.3.
Variant type: single nucleotide variant.
Coding change: c.207G>A on transcript NM_001040108.2 (MANE Select); coding-DNA position 207, G replaced by A.
Protein change: p.Val69=; no amino-acid change (valine 69 retained).
Molecular consequence: synonymous variant.
Genome position (GRCh38, 1-based): chr14:75,049,449, C>T on the plus strand (G>A on the coding strand, the complement: MLH3 is on the minus strand). VCF-style: chr14-75049449-C-T. GRCh37 (hg19) VCF-style: chr14-75516152-C-T.
Other names: c.207G>A, p.Val69= (NM_014381.3).
Identifiers: ClinVar variation 3396598 (VCV003396598.2).
Genomic context (GRCh38, chr14:75,049,449, plus strand): 5'-AAACCTTGGATTCTCCAAGTCCTGTACCGAGTGGCATTTACTGGTGAAATAACGATTTCC[C>T]ACTTTCTCTACATCATCACTCCCCATCCCAAATCCATTGTCTATCACTTGAACTTGGAAG-3'
Protein context (NP_001035197.1, residues 59-79): FGMGSDDVEK[Val69=]GNRYFTSKCH

ClinVar aggregate classification (germline): Benign/Likely benign. Review status: criteria provided, multiple submitters, no conflicts (2 of 4 stars). 2 submissions from 2 submitters: Benign (1); Likely benign (1). Last evaluated 2026-09-14.

Conditions:
Colorectal cancer, hereditary nonpolyposis, type 7. Identifiers: Orphanet 144, MedGen C1858380, MONDO:0013725, OMIM 614385.

gnomAD v4.1: 3 of 1,613,992 alleles (0.00019%); highest among the groups gnomAD compares: Non-Finnish European, 0.00017%; no homozygotes.

Submissions (2):

Myriad Genetics, Inc.
Classification: Benign for Colorectal cancer, hereditary nonpolyposis, type 7. Last evaluated: 2026-09-14. Review status: criteria provided, single submitter. Criteria: Myriad Autosomal Dominant, Autosomal Recessive and X-Linked Classification Criteria (2023). Collection method: clinical testing. Allele origin: unknown.
Comment: This variant is considered benign. This variant is a silent/synonymous amino acid change and it is not expected to impact splicing.

Ambry Genetics
Classification: Likely benign. Last evaluated: 2024-07-06. Review status: criteria provided, single submitter. Criteria: Ambry Variant Classification Scheme 2023. Collection method: clinical testing. Allele origin: germline.